The following is an entry in ClinVar:

ClinVar aggregate classification (germline): Likely benign (1 of 4 stars; one submission).

Conditions:
Pheochromocytoma/paraganglioma syndrome 3. Also called: GLOMUS TUMORS, FAMILIAL, 3; Paragangliomas 3; SDHC-Related Hereditary Paraganglioma-Pheochromocytoma Syndrome (Paragangliomas 3); SDHC-Related Hereditary Paraganglioma-Pheochromocytoma Syndrome. Identifiers: Orphanet 29072, MedGen C1854336, MONDO:0011544, OMIM 605373.

Submission:

Myriad Genetics, Inc.
Classification: Likely benign for Pheochromocytoma/paraganglioma syndrome 3. Last evaluated: 2025-03-14. Review status: criteria provided, single submitter. Criteria: Myriad Autosomal Dominant, Autosomal Recessive and X-Linked Classification Criteria (2023). Collection method: clinical testing. Allele origin: unknown.
Comment: This variant is considered likely benign. This variant is intronic and is not expected to impact mRNA splicing.

NM_003001.5(SDHC):c.21-15T>C

Gene: SDHC (succinate dehydrogenase complex subunit C; plus strand). Cytogenetic location: 1q23.3.
Variant type: single nucleotide variant.
Coding change: c.21-15T>C on transcript NM_003001.5 (MANE Select); 15 bases into the intron before coding-DNA position 21, T replaced by C.
Molecular consequence: intron variant.
Genome position (GRCh38, 1-based): chr1:161,323,599, T>C. VCF-style: chr1-161323599-T-C. GRCh37 (hg19) VCF-style: chr1-161293389-T-C.
Other names: c.-91-15T>C (NM_001407119.1); c.-209-15T>C (NM_001407120.1); c.21-15T>C (NM_001407115.1, NM_001035511.3, NM_001035512.3 and 2 more transcripts); c.21-4797T>C (NM_001407116.1, NM_001407121.1, NM_001407117.1); c.20+9174T>C (NM_001035513.3).
Identifiers: ClinVar variation 3904459 (VCV003904459.1).